The following is an entry in ClinVar:

NM_001289808.2(CRYAB):c.397A>G (p.Ile133Val)

Gene: CRYAB (crystallin alpha B; minus strand). Cytogenetic location: 11q23.1.
Variant type: single nucleotide variant.
Coding change: c.397A>G on transcript NM_001289808.2 (MANE Select); coding-DNA position 397, A replaced by G.
Protein change: p.Ile133Val; replaces isoleucine 133 with valine.
Molecular consequence: missense variant.
Genome position (GRCh38, 1-based): chr11:111,908,895, T>C on the plus strand (A>G on the coding strand, the complement: CRYAB is on the minus strand). VCF-style: chr11-111908895-T-C. GRCh37 (hg19) VCF-style: chr11-111779619-T-C.
Other names: c.397A>G, p.Ile133Val (NM_001289807.1, NM_001368245.1, NM_001885.3); c.196A>G, p.Ile66Val (NM_001330379.1, NM_001368246.1); short protein forms I133V, I66V.
Identifiers: ClinVar variation 1406008 (VCV001406008.9), dbSNP rs782672409, ClinGen allele CA6275466.

ClinVar aggregate classification (germline): Uncertain significance. Review status: criteria provided, multiple submitters, no conflicts (2 of 4 stars). 2 submissions from 2 submitters: Uncertain significance (2). Last evaluated 2022-08-23.

Conditions:
Dilated cardiomyopathy 1II (CMD1II). Identifiers: Orphanet 154, MedGen C3554649, MONDO:0014073, OMIM 615184.

Allele frequency attached by ClinVar (database versions not stated): gnomAD exomes below 0.00001; ExAC 0.00001.
gnomAD v4.1: 1 of 1,614,096 alleles (0.000062%); highest among the groups gnomAD compares: Non-Finnish European, 0.000085%; no homozygotes.

Submissions (2):

Labcorp Genetics (formerly Invitae), Labcorp
Classification: Uncertain significance for Dilated cardiomyopathy 1II. Last evaluated: 2022-08-23. Review status: criteria provided, single submitter. Criteria: Invitae Variant Classification Sherloc (09022015). Collection method: clinical testing. Allele origin: germline.
Comment: This variant has not been reported in the literature in individuals affected with CRYAB-related conditions. In summary, the available evidence is currently insufficient to determine the role of this variant in disease. Therefore, it has been classified as a Variant of Uncertain Significance. Algorithms developed to predict the effect of missense changes on protein structure and function (SIFT, PolyPhen-2, Align-GVGD) all suggest that this variant is likely to be tolerated. ClinVar contains an entry for this variant (Variation ID: 1406008). This variant is present in population databases (rs782672409, gnomAD 0.0009%). This sequence change replaces isoleucine, which is neutral and non-polar, with valine, which is neutral and non-polar, at codon 133 of the CRYAB protein (p.Ile133Val).

Blueprint Genetics
Classification: Uncertain significance. Last evaluated: 2021-07-14. Review status: criteria provided, single submitter. Criteria: ACMG Guidelines, 2015. Collection method: clinical testing. Allele origin: germline.